The following is an entry in ClinVar:

ClinVar aggregate classification (germline): Conflicting classifications of pathogenicity. Review status: criteria provided, conflicting classifications (1 of 4 stars). 5 submissions from 5 submitters: Uncertain significance (3); Likely benign (2). Last evaluated 2026-05-14.

Conditions:
TGFBR1-related disorder. Also called: TGFBR1-related condition.
Ehlers-Danlos syndrome (EDS). Identifiers: Orphanet 98249, MedGen C0013720, MONDO:0020066.
Familial thoracic aortic aneurysm and aortic dissection (TAAD). Also called: Thoracic aortic aneurysms and dissections. Identifiers: Orphanet 91387, MedGen C4707243, MONDO:0019625.

Allele frequency attached by ClinVar (database versions not stated): gnomAD 0.00002.
gnomAD v4.1: 39 of 1,084,848 alleles (0.0036%); highest among the groups gnomAD compares: Non-Finnish European, 0.0041%; no homozygotes.

Submissions (5):

PreventionGenetics, part of Exact Sciences
Classification: Likely benign for TGFBR1-related condition. Last evaluated: 2026-05-14. Review status: criteria provided, single submitter. Criteria: ACMG Guidelines, 2015. Collection method: clinical testing. Allele origin: germline.
Comment: This variant is classified as likely benign based on ACMG/AMP sequence variant interpretation guidelines (Richards et al. 2015 PMID: 25741868, with internal and published modifications).

Ambry Genetics
Classification: Uncertain significance for Familial thoracic aortic aneurysm and aortic dissection. Last evaluated: 2024-12-06. Review status: criteria provided, single submitter. Criteria: Ambry Variant Classification Scheme 2023. Collection method: clinical testing. Allele origin: germline.
Comment: The c.-5G>A variant is located in the 5' untranslated region (5&rsquo; UTR) of the TGFBR1 gene. This variant results from a G to A substitution 5 bases upstream from the first translated codon. This nucleotide position is highly conserved in available vertebrate species. Based on the available evidence, the clinical significance of this variant remains unclear.

Blueprint Genetics
Classification: Likely benign. Last evaluated: 2024-09-17. Review status: criteria provided, single submitter. Criteria: ACMG Guidelines, 2015. Collection method: clinical testing. Allele origin: germline.

GeneDx
Classification: Uncertain significance. Last evaluated: 2022-07-25. Review status: criteria provided, single submitter. Criteria: GeneDx Variant Classification Process June 2021. Collection method: clinical testing. Allele origin: germline. Affected: yes.
Comment: Located in the 5 untranslated region (UTR); in the absence of functional studies, the actual effect of this sequence change is unknown; Not observed at significant frequency in large population cohorts (gnomAD); Has not been previously published as pathogenic or benign to our knowledge; No regulatory variants in the TGFBR1 gene have been reported in HGMD in association with TGFBR1-related disorders (HGMD)

Genome Diagnostics Laboratory, The Hospital for Sick Children
Classification: Uncertain significance for Ehlers-Danlos syndrome. Last evaluated: 2019-11-01. Review status: criteria provided, single submitter. Criteria: ACMG Guidelines, 2015. Collection method: clinical testing. Allele origin: germline.

NM_004612.4(TGFBR1):c.-5G>A

Genes: TGFBR1 (transforming growth factor beta receptor 1; plus strand), LOC130002223 (ATAC-STARR-seq lymphoblastoid silent region 20124; plus strand). Cytogenetic location: 9q22.33.
Variant type: single nucleotide variant.
Coding change: c.-5G>A on transcript NM_004612.4 (MANE Select); 5 bases upstream of the start codon, G replaced by A.
Molecular consequence: 5 prime UTR variant.
Genome position (GRCh38, 1-based): chr9:99,105,201, G>A. VCF-style: chr9-99105201-G-A. GRCh37 (hg19) VCF-style: chr9-101867483-G-A.
Other names: c.-5G>A (NM_004612.2, NM_001130916.3, NM_001306210.2).
Identifiers: ClinVar variation 1699509 (VCV001699509.8), dbSNP rs1220994912, ClinGen allele CA869118095.
Genomic context (GRCh38, chr9:99,105,201, plus strand): 5'-GTTTGCTGGGGTGAGGCAGCGGCGCGGCCGGGCCGGGCCGGGCCACAGGCGGTGGCGGCG[G>A]GACCATGGAGGCGGCGGTCGCTGCTCCGCGTCCCCGGCTGCTCCTCCTCGTGCTGGCGGC-3'